The following is an entry in ClinVar:

NM_001171.6(ABCC6):c.3671C>T (p.Thr1224Ile)

Gene: ABCC6 (ATP binding cassette subfamily C member 6; minus strand). Cytogenetic location: 16p13.11.
Variant type: single nucleotide variant.
Coding change: c.3671C>T on transcript NM_001171.6 (MANE Select); coding-DNA position 3671, C replaced by T.
Protein change: p.Thr1224Ile; replaces threonine 1224 with isoleucine.
Molecular consequence: missense variant. On other transcripts: non-coding transcript variant (1).
Genome position (GRCh38, 1-based): chr16:16,159,546, G>A on the plus strand (C>T on the coding strand, the complement: ABCC6 is on the minus strand). VCF-style: chr16-16159546-G-A. GRCh37 (hg19) VCF-style: chr16-16253403-G-A.
Other names: c.3329C>T, p.Thr1110Ile (NM_001351800.1); short protein forms T1110I, T1224I.
Identifiers: ClinVar variation 2010526 (VCV002010526.1), dbSNP rs972225942, ClinGen allele CA394878811.

ClinVar aggregate classification (germline): Uncertain significance (1 of 4 stars; one submission).

gnomAD v4.1: 9 of 1,614,122 alleles (0.00056%); highest among the groups gnomAD compares: Admixed American, 0.0017%; no homozygotes.

Submission:

Labcorp Genetics (formerly Invitae), Labcorp
Classification: Uncertain significance. Last evaluated: 2022-06-25. Review status: criteria provided, single submitter. Criteria: Invitae Variant Classification Sherloc (09022015). Collection method: clinical testing. Allele origin: germline.
Comment: This sequence change replaces threonine, which is neutral and polar, with isoleucine, which is neutral and non-polar, at codon 1224 of the ABCC6 protein (p.Thr1224Ile). This variant is not present in population databases (gnomAD no frequency). This variant has not been reported in the literature in individuals affected with ABCC6-related conditions. Algorithms developed to predict the effect of missense changes on protein structure and function are either unavailable or do not agree on the potential impact of this missense change (SIFT: "Deleterious"; PolyPhen-2: "Possibly Damaging"; Align-GVGD: "Class C15"). In summary, the available evidence is currently insufficient to determine the role of this variant in disease. Therefore, it has been classified as a Variant of Uncertain Significance.